The following is an entry in ClinVar:

ClinVar aggregate classification (germline): Conflicting classifications of pathogenicity. Review status: criteria provided, conflicting classifications (1 of 4 stars). 7 submissions from 7 submitters: Pathogenic (3); Likely pathogenic (1); Uncertain significance (1). 2 of the submissions do not count toward it. Last evaluated 2025-08-29.

Conditions:
Charcot-Marie-Tooth disease axonal type 2V. Also called: CHARCOT-MARIE-TOOTH NEUROPATHY, TYPE 2V; CHARCOT-MARIE-TOOTH DISEASE, AXONAL, AUTOSOMAL DOMINANT, TYPE 2V. Identifiers: Orphanet 447964, MedGen C5569050, MONDO:0014665, OMIM 616491.
Mucopolysaccharidosis, MPS-III-B (MPS3B). Also called: MPS III B; Mucopolysaccharidosis type IIIB (Sanfilippo B); SANFILIPPO SYNDROME B; MUCOPOLYSACCHARIDOSIS, TYPE IIIB; MPS IIIB (Sanfilippo Syndrome Type B); N-ACETYL-ALPHA-D-GLUCOSAMINIDASE DEFICIENCY. Identifiers: Orphanet 79270, MedGen C0086648, MONDO:0009656, OMIM 252920.

Allele frequency attached by ClinVar (database versions not stated): gnomAD exomes 0.00001.

Submissions (7):

Natera, Inc.
Classification: Pathogenic for Mucopolysaccharidosis type IIIB. Last evaluated: 2025-08-29. Review status: criteria provided, single submitter. Criteria: Natera Variant Classification Schema (03/2026). Collection method: clinical testing. Allele origin: germline.
Comment: The c.1928G>A variant in NAGLU is a missense variant predicted to cause substitution of arginine to histidine at amino acid 643. This variant is rare in the general population with a frequency below the threshold expected for the associated phenotype(s). This variant has been observed in one or more individuals affected with the associated recessive disease, as either homozygous or compound heterozygous with a second variant (PMID: 29661560, 8650226, 34349725). This variant has been observed to segregate in affected family members (PMID: 34349725). Functional studies show that this variant may disrupt protein function (PMID: 9443878). A different variant at the same position has been determined to be Pathogenic or Likely Pathogenic. Computational prediction algorithms indicate this variant is likely to affect gene or protein function. Given the available evidence, this variant is classified as Pathogenic.

GeneDx
Classification: Pathogenic. Last evaluated: 2025-04-29. Review status: criteria provided, single submitter. Criteria: GeneDx Variant Classification Process June 2021. Collection method: clinical testing. Allele origin: germline. Affected: yes.
Comment: Published functional studies found this variant is associated with significantly reduced enzyme activity (PMID: 9443878); Not observed at significant frequency in large population cohorts (gnomAD); In silico analysis supports that this missense variant has a deleterious effect on protein structure/function; This variant is associated with the following publications: (PMID: 30809705, 8650226, 33147747, 34828358, 11668611, 9443875, 34349725, 23840811, 29661560, 9443878)

Labcorp Genetics (formerly Invitae), Labcorp
Classification: Pathogenic for Charcot-Marie-Tooth disease axonal type 2V; Mucopolysaccharidosis, MPS-III-B. Last evaluated: 2024-08-20. Review status: criteria provided, single submitter. Criteria: Invitae Variant Classification Sherloc (09022015). Collection method: clinical testing. Allele origin: germline.
Comment: This sequence change replaces arginine, which is basic and polar, with histidine, which is basic and polar, at codon 643 of the NAGLU protein (p.Arg643His). This variant is not present in population databases (gnomAD no frequency). This missense change has been observed in individuals with mucopolysaccharidosis (PMID: 8650226, 30809705; Invitae). ClinVar contains an entry for this variant (Variation ID: 1563). Invitae Evidence Modeling of protein sequence and biophysical properties (such as structural, functional, and spatial information, amino acid conservation, physicochemical variation, residue mobility, and thermodynamic stability) indicates that this missense variant is expected to disrupt NAGLU protein function with a positive predictive value of 80%. Experimental studies have shown that this missense change affects NAGLU function (PMID: 9443878). This variant disrupts the p.Arg643 amino acid residue in NAGLU. Other variant(s) that disrupt this residue have been determined to be pathogenic (PMID: 10094189, 18218046, 20852935, 26907177). This suggests that this residue is clinically significant, and that variants that disrupt this residue are likely to be disease-causing. For these reasons, this variant has been classified as Pathogenic.

Department of Pathology and Laboratory Medicine, Sinai Health System
Classification: Likely pathogenic for Mucopolysaccharidosis, MPS-III-B; Charcot-Marie-Tooth disease axonal type 2V. Last evaluated: 2023-03-28. Review status: criteria provided, single submitter. Criteria: ACMG Guidelines, 2015. Collection method: research. Allele origin: germline.

Laboratory of Diagnosis and Therapy of Lysosomal Disorders, University of Padova
Classification: Uncertain significance for Mucopolysaccharidosis, MPS-III-B. Last evaluated: 2019-01-01. Review status: criteria provided, single submitter. Criteria: ACMG Guidelines, 2015. Collection method: literature only. Allele origin: germline. Affected: yes.
Comment: PM2: Absent from GnomAD

Counsyl
Classification: Uncertain significance for Mucopolysaccharidosis, MPS-III-B. Last evaluated: 2018-03-06. Review status: no assertion criteria provided. Collection method: clinical testing. Allele origin: unknown. Not counted in ClinVar's aggregate classification.

OMIM
Classification: Pathogenic for MUCOPOLYSACCHARIDOSIS, TYPE IIIB. Last evaluated: 1999-01-01. Review status: no assertion criteria provided. Collection method: literature only. Allele origin: germline. Not counted in ClinVar's aggregate classification.

Literature cited by the submitters: PubMed 29661560 (cited by Natera, Inc.); PubMed 8650226 (cited by 4 submitters); PubMed 34349725 (cited by Natera, Inc.); PubMed 9443878 (cited by 3 submitters); PubMed 30809705 (cited by Labcorp Genetics (formerly Invitae), Labcorp and Laboratory of Diagnosis and Therapy of Lysosomal Disorders, University of Padova); PubMed 10094189 (cited by Labcorp Genetics (formerly Invitae), Labcorp and OMIM); PubMed 18218046 (cited by Labcorp Genetics (formerly Invitae), Labcorp); PubMed 20852935 (cited by Labcorp Genetics (formerly Invitae), Labcorp); PubMed 26907177 (cited by Labcorp Genetics (formerly Invitae), Labcorp); PubMed 9443875 (cited by Laboratory of Diagnosis and Therapy of Lysosomal Disorders, University of Padova).

NM_000263.4(NAGLU):c.1928G>A (p.Arg643His)

Gene: NAGLU (N-acetyl-alpha-glucosaminidase; plus strand). Cytogenetic location: 17q21.2.
Variant type: single nucleotide variant.
Coding change: c.1928G>A on transcript NM_000263.4 (MANE Select); coding-DNA position 1928, G replaced by A.
Protein change: p.Arg643His; replaces arginine 643 with histidine.
Molecular consequence: missense variant.
Genome position (GRCh38, 1-based): chr17:42,543,934, G>A. VCF-style: chr17-42543934-G-A. GRCh37 (hg19) VCF-style: chr17-40695952-G-A.
Other names: short protein forms R643H.
Identifiers: ClinVar variation 1563 (VCV000001563.15), dbSNP rs104894593, ClinGen allele CA250027.